The following is an entry in ClinVar:

NM_015047.3(EMC1):c.890C>T (p.Pro297Leu)

Genes: EMC1 (ER membrane protein complex subunit 1; minus strand), EMC1-AS1 (EMC1 antisense RNA 1; plus strand). Cytogenetic location: 1p36.13.
Variant type: single nucleotide variant.
Coding change: c.890C>T on transcript NM_015047.3 (MANE Select); coding-DNA position 890, C replaced by T.
Protein change: p.Pro297Leu; replaces proline 297 with leucine.
Molecular consequence: missense variant.
Genome position (GRCh38, 1-based): chr1:19,239,882, G>A on the plus strand (C>T on the coding strand, the complement: EMC1 is on the minus strand). VCF-style: chr1-19239882-G-A. GRCh37 (hg19) VCF-style: chr1-19566376-G-A.
Other names: c.890C>T, p.Pro297Leu (NM_001271427.2, NM_001271428.2, NM_001375820.1 and 1 more transcripts); c.824C>T, p.Pro275Leu (NM_001271429.2); short protein forms P275L, P297L.
Identifiers: ClinVar variation 1922627 (VCV001922627.5), dbSNP rs760055012, ClinGen allele CA652760.

ClinVar aggregate classification (germline): Uncertain significance (1 of 4 stars; one submission).

Allele frequency attached by ClinVar (database versions not stated): gnomAD exomes below 0.00001; TOPMed 0.00001.
gnomAD v4.1: 4 of 1,613,134 alleles (0.00025%); highest among the groups gnomAD compares: Non-Finnish European, 0.00034%; no homozygotes.

Submission:

Labcorp Genetics (formerly Invitae), Labcorp
Classification: Uncertain significance. Last evaluated: 2022-10-24. Review status: criteria provided, single submitter. Criteria: Invitae Variant Classification Sherloc (09022015). Collection method: clinical testing. Allele origin: germline.
Comment: This variant is present in population databases (rs760055012, gnomAD 0.002%). In summary, the available evidence is currently insufficient to determine the role of this variant in disease. Therefore, it has been classified as a Variant of Uncertain Significance. Advanced modeling of protein sequence and biophysical properties (such as structural, functional, and spatial information, amino acid conservation, physicochemical variation, residue mobility, and thermodynamic stability) has been performed at Invitae for this missense variant, however the output from this modeling did not meet the statistical confidence thresholds required to predict the impact of this variant on EMC1 protein function. This variant has not been reported in the literature in individuals affected with EMC1-related conditions. This sequence change replaces proline, which is neutral and non-polar, with leucine, which is neutral and non-polar, at codon 297 of the EMC1 protein (p.Pro297Leu).